The following is an entry in ClinVar:

ClinVar aggregate classification (germline): Likely benign. Review status: criteria provided, multiple submitters, no conflicts (2 of 4 stars). 2 submissions from 2 submitters: Likely benign (2). Last evaluated 2023-10-23.

Conditions:
Familial adenomatous polyposis 1 (FAP1). Also called: FAMILIAL ADENOMATOUS POLYPOSIS 1, ATTENUATED; POLYPOSIS, ADENOMATOUS INTESTINAL. Identifiers: MedGen C2713442, MONDO:0021056, OMIM 175100. Disease mechanism: loss of function.

Submissions (2):

Labcorp Genetics (formerly Invitae), Labcorp
Classification: Likely benign for Familial adenomatous polyposis 1. Last evaluated: 2023-10-23. Review status: criteria provided, single submitter. Criteria: Invitae Variant Classification Sherloc (09022015). Collection method: clinical testing. Allele origin: germline.

GeneDx
Classification: Likely benign. Last evaluated: 2017-03-11. Review status: criteria provided, single submitter. Criteria: GeneDx Variant Classification (06012015). Collection method: clinical testing. Allele origin: germline. Affected: yes.
Comment: This variant is considered likely benign or benign based on one or more of the following criteria: it is a conservative change, it occurs at a poorly conserved position in the protein, it is predicted to be benign by multiple in silico algorithms, and/or has population frequency not consistent with disease.

NM_000038.6(APC):c.1409-13C>G

Gene: APC (APC regulator of Wnt signaling pathway; plus strand). Cytogenetic location: 5q22.2.
Variant type: single nucleotide variant.
Coding change: c.1409-13C>G on transcript NM_000038.6 (MANE Select); 13 bases into the intron before coding-DNA position 1409, C replaced by G.
Molecular consequence: intron variant.
Genome position (GRCh38, 1-based): chr5:112,827,095, C>G. VCF-style: chr5-112827095-C-G. GRCh37 (hg19) VCF-style: chr5-112162792-C-G.
Other names: c.1409-13C>G (NM_001354895.2, NM_001127510.3); c.1439-13C>G (NM_001354897.2); c.1136-13C>G (NM_001354902.2); c.1355-13C>G (NM_001127511.3); c.1334-13C>G (NM_001354898.2); c.1031-13C>G (NM_001354904.2); c.560-13C>G (NM_001354906.2); c.1463-13C>G (NM_001354896.2); and 5 more.
Identifiers: ClinVar variation 508018 (VCV000508018.4), dbSNP rs1554081628, ClinGen allele CA658796562.